The following is an entry in ClinVar:

NM_212482.4(FN1):c.3807A>C (p.Gln1269His)

Gene: FN1 (fibronectin 1; minus strand). Cytogenetic location: 2q35.
Variant type: single nucleotide variant.
Coding change: c.3807A>C on transcript NM_212482.4 (MANE Select); coding-DNA position 3807, A replaced by C.
Protein change: p.Gln1269His; replaces glutamine 1269 with histidine.
Molecular consequence: missense variant. On other transcripts: intron variant (10).
Genome position (GRCh38, 1-based): chr2:215,393,193, T>G on the plus strand (A>C on the coding strand, the complement: FN1 is on the minus strand). VCF-style: chr2-215393193-T-G. GRCh37 (hg19) VCF-style: chr2-216257916-T-G.
Other names: c.3807A>C, p.Gln1269His (NM_001306129.2, NM_001306130.2, NM_001365517.2 and 3 more transcripts); c.3796+1335A>C (NM_212474.3, NM_001306132.2, NM_001365523.2 and 7 more transcripts); short protein forms Q1269H.
Identifiers: ClinVar variation 3095949 (VCV003095949.3), dbSNP rs373738266, ClinGen allele CA64862501.
Genomic context (GRCh38, chr2:215,393,193, plus strand): 5'-CGGGGTCCACCTCAGGCCGATGCTTGAATCGGTTATATCAACAAAGCTTAGGTCAGTGAG[T>G]TGGGGCACCTCTATTGAGTTACAAAGCAAAGGGAGGGGGAGGCAAAAGGAAAATAGAGGG-3'
Protein context (NP_997647.2, residues 1259-1279): ISDTIIPEVP[Gln1269His]LTDLSFVDIT

ClinVar aggregate classification (germline): Conflicting classifications of pathogenicity. Review status: criteria provided, conflicting classifications (1 of 4 stars). 2 submissions from 2 submitters: Uncertain significance (1); Likely benign (1). Last evaluated 2026-06-01.

Conditions:
Inborn genetic diseases. Identifiers: MedGen C0950123, MeSH D030342.

gnomAD v4.1: 83 of 1,613,228 alleles (0.0051%); highest among the groups gnomAD compares: Non-Finnish European, 0.0066%; no homozygotes.

Submissions (2):

CeGaT Center for Human Genetics Tuebingen
Classification: Likely benign. Last evaluated: 2026-06-01. Review status: criteria provided, single submitter. Criteria: CeGaT Center For Human Genetics Tuebingen Variant Classification Criteria Version 2. Collection method: clinical testing. Allele origin: germline. Affected: yes. Observed: 1 variant allele.
Comment: FN1: PP2, BP4, BS1

Ambry Genetics
Classification: Uncertain significance for Inborn genetic diseases. Last evaluated: 2024-01-03. Review status: criteria provided, single submitter. Criteria: Ambry Variant Classification Scheme 2023. Collection method: clinical testing. Allele origin: germline.